The following is an entry in ClinVar:

NM_001080.3(ALDH5A1):c.373C>T (p.Arg125Trp)

Gene: ALDH5A1 (aldehyde dehydrogenase 5 family member A1; plus strand). Cytogenetic location: 6p22.3.
Variant type: single nucleotide variant.
Coding change: c.373C>T on transcript NM_001080.3 (MANE Select); coding-DNA position 373, C replaced by T.
Protein change: p.Arg125Trp; replaces arginine 125 with tryptophan.
Molecular consequence: missense variant.
Genome position (GRCh38, 1-based): chr6:24,502,541, C>T. VCF-style: chr6-24502541-C-T. GRCh37 (hg19) VCF-style: chr6-24502769-C-T.
Other names: c.373C>T, p.Arg125Trp (NM_001368954.1, NM_170740.1); short protein forms R125W.
Identifiers: ClinVar variation 356129 (VCV000356129.8), dbSNP rs201082048, ClinGen allele CA3656604.
Genomic context (GRCh38, chr6:24,502,541, plus strand): 5'-TTGGCATTTTATTACTTTTCTGCCTTGTTATTTCTTTTGCAGGAGAGGAGTTCATTACTT[C>T]GGAAGTGGTACAATTTAATGATACAAAATAAGGATGACCTTGCCAGAATAATCACAGCTG-3'
Protein context (NP_001071.1, residues 115-135): VSAKERSSLL[Arg125Trp]KWYNLMIQNK

ClinVar aggregate classification (germline): Uncertain significance. Review status: criteria provided, multiple submitters, no conflicts (2 of 4 stars). 2 submissions from 2 submitters: Uncertain significance (2). Last evaluated 2022-08-23.

Conditions:
Succinate-semialdehyde dehydrogenase deficiency (SSADHD). Also called: Succinic Semialdehyde Dehydrogenase Deficiency; 4-HYDROXYBUTYRIC ACIDURIA; GABA METABOLIC DEFECT; SSADH DEFICIENCY. Identifiers: Orphanet 22, MedGen C0268631, MONDO:0010083, OMIM 271980.

Allele frequency attached by ClinVar (database versions not stated): 1000 Genomes Project below 0.00001; ExAC 0.00001; gnomAD exomes 0.00001.
gnomAD v4.1: 13 of 1,612,554 alleles (0.00081%); highest among the groups gnomAD compares: South Asian, 0.0022%; no homozygotes.

Submissions (2):

Labcorp Genetics (formerly Invitae), Labcorp
Classification: Uncertain significance for Succinate-semialdehyde dehydrogenase deficiency. Last evaluated: 2022-08-23. Review status: criteria provided, single submitter. Criteria: Invitae Variant Classification Sherloc (09022015). Collection method: clinical testing. Allele origin: germline.
Comment: This sequence change replaces arginine, which is basic and polar, with tryptophan, which is neutral and slightly polar, at codon 125 of the ALDH5A1 protein (p.Arg125Trp). This variant is not present in population databases (gnomAD no frequency). This variant has not been reported in the literature in individuals affected with ALDH5A1-related conditions. ClinVar contains an entry for this variant (Variation ID: 356129). Advanced modeling of protein sequence and biophysical properties (such as structural, functional, and spatial information, amino acid conservation, physicochemical variation, residue mobility, and thermodynamic stability) performed at Invitae indicates that this missense variant is expected to disrupt ALDH5A1 protein function. In summary, the available evidence is currently insufficient to determine the role of this variant in disease. Therefore, it has been classified as a Variant of Uncertain Significance.

Illumina Laboratory Services, Illumina
Classification: Uncertain significance for Succinate-semialdehyde dehydrogenase deficiency. Last evaluated: 2018-01-13. Review status: criteria provided, single submitter. Criteria: ICSL Variant Classification Criteria 13 December 2019. Collection method: clinical testing. Allele origin: germline.